The following is an entry in ClinVar:

ClinVar aggregate classification (germline): Uncertain significance (1 of 4 stars; one submission).

Conditions:
Succinate-semialdehyde dehydrogenase deficiency (SSADHD). Also called: Succinic Semialdehyde Dehydrogenase Deficiency; SSADH DEFICIENCY; 4-HYDROXYBUTYRIC ACIDURIA; GABA METABOLIC DEFECT. Identifiers: Orphanet 22, MedGen C0268631, MONDO:0010083, OMIM 271980.

Submission:

Labcorp Genetics (formerly Invitae), Labcorp
Classification: Uncertain significance for Succinate-semialdehyde dehydrogenase deficiency. Last evaluated: 2020-07-26. Review status: criteria provided, single submitter. Criteria: Invitae Variant Classification Sherloc (09022015). Collection method: clinical testing. Allele origin: germline.
Comment: This variant results in a copy number gain of the genomic region encompassing exon(s) 1-7 of the ALDH5A1 gene, which includes the initiator codon. The 5' end of this event is unknown as it extends beyond the assayed region for this gene and therefore may encompass additional genes. The 3' boundary is likely confined to intron 7 of the ALDH5A1 gene. As the precise location of this event is unknown, it may be in tandem or it may be located elsewhere in the genome. This variant has not been reported in the literature in individuals with ALDH5A1-related conditions. In summary, the available evidence is currently insufficient to determine the role of this variant in disease. Therefore, it has been classified as a Variant of Uncertain Significance.

NC_000006.11:g.(?_24495225)_(24523163_?)dup

Gene: ALDH5A1 (aldehyde dehydrogenase 5 family member A1; plus strand). Cytogenetic location: 6p22.3.
Variant type: Duplication.
Identifiers: ClinVar variation 1064059 (VCV001064059.1).